The following is an entry in ClinVar:

ClinVar aggregate classification (germline): Likely benign (0 of 4 stars; one submission).

Conditions:
ESRP2-related disorder. Also called: ESRP2-related condition.

Allele frequency attached by ClinVar (database versions not stated): gnomAD exomes 0.00018; ExAC 0.00063; 1000 Genomes Project 0.00100; 1000 Genomes Project 30x 0.00109; gnomAD 0.00196; ESP Exome Variant Server 0.00208; TOPMed 0.00237.
gnomAD v4.1: 592 of 1,614,212 alleles (0.037%); highest among the groups gnomAD compares: African/African-American, 0.64%; 1 homozygote.

Submission:

PreventionGenetics, part of Exact Sciences
Classification: Likely benign for ESRP2-related condition. Last evaluated: 2023-06-22. Review status: no assertion criteria provided. Collection method: clinical testing. Allele origin: germline.
Comment: This variant is classified as likely benign based on ACMG/AMP sequence variant interpretation guidelines (Richards et al. 2015 PMID: 25741868, with internal and published modifications).

NM_024939.3(ESRP2):c.2074G>C (p.Asp692His)

Gene: ESRP2 (epithelial splicing regulatory protein 2; minus strand). Cytogenetic location: 16q22.1.
Variant type: single nucleotide variant.
Coding change: c.2074G>C on transcript NM_024939.3 (MANE Select); coding-DNA position 2074, G replaced by C.
Protein change: p.Asp692His; replaces aspartic acid 692 with histidine.
Molecular consequence: missense variant. On other transcripts: synonymous variant (1).
Genome position (GRCh38, 1-based): chr16:68,230,306, C>G on the plus strand (G>C on the coding strand, the complement: ESRP2 is on the minus strand). VCF-style: chr16-68230306-C-G. GRCh37 (hg19) VCF-style: chr16-68264209-C-G.
Other names: c.2104G>C, p.Asp702His (NM_001365264.1); c.1908G>C, p.Leu636= (NM_001365265.1); short protein forms D692H, D702H.
Identifiers: ClinVar variation 3040484 (VCV003040484.2), dbSNP rs62637560, ClinGen allele CA8125047.
Genomic context (GRCh38, chr16:68,230,306, plus strand): 5'-TGGGGGCTTGTAACACAGTGCGAGGTGGGTCACCAACAGGCATCAGACTGGTGTAGTCAT[C>G]AGCGGGTAGCTACAGAAGGGACACAGATTTAGGGCAGAGAGCTCAGCCAGACCCGCCAGG-3'
Protein context (NP_079215.2, residues 682-702): SVFQAYQLPA[Asp692His]DYTSLMPVGD